The following is an entry in ClinVar:

ClinVar aggregate classification (germline): Uncertain significance (1 of 4 stars; one submission).

Submission:

Labcorp Genetics (formerly Invitae), Labcorp
Classification: Uncertain significance. Last evaluated: 2025-12-15. Review status: criteria provided, single submitter. Criteria: Invitae Variant Classification Sherloc (09022015). Collection method: clinical testing. Allele origin: germline.
Comment: This sequence change replaces valine, which is neutral and non-polar, with alanine, which is neutral and non-polar, at codon 44 of the SEC61A1 protein (p.Val44Ala). This variant is present in population databases (no rsID available, gnomAD 0.003%). This variant has not been reported in the literature in individuals affected with SEC61A1-related conditions. ClinVar contains an entry for this variant (Variation ID: 3697820). Invitae Evidence Modeling of protein sequence and biophysical properties (such as structural, functional, and spatial information, amino acid conservation, physicochemical variation, residue mobility, and thermodynamic stability) indicates that this missense variant is not expected to disrupt SEC61A1 protein function with a negative predictive value of 80%. In summary, the available evidence is currently insufficient to determine the role of this variant in disease. Therefore, it has been classified as a Variant of Uncertain Significance.

NM_013336.4(SEC61A1):c.131T>C (p.Val44Ala)

Gene: SEC61A1 (SEC61 translocon subunit alpha 1; plus strand). Cytogenetic location: 3q21.3.
Variant type: single nucleotide variant.
Coding change: c.131T>C on transcript NM_013336.4 (MANE Select); coding-DNA position 131, T replaced by C.
Protein change: p.Val44Ala; replaces valine 44 with alanine.
Molecular consequence: missense variant. On other transcripts: 5 prime UTR variant (1).
Genome position (GRCh38, 1-based): chr3:128,055,571, T>C. VCF-style: chr3-128055571-T-C. GRCh37 (hg19) VCF-style: chr3-127774414-T-C.
Other names: c.149T>C, p.Val50Ala (NM_001400328.1); c.-29T>C (NM_001400329.1); short protein forms V50A, V44A.
Identifiers: ClinVar variation 3697820 (VCV003697820.2).